The following is an entry in ClinVar:

ClinVar aggregate classification (germline): Conflicting classifications of pathogenicity. Review status: criteria provided, conflicting classifications (1 of 4 stars). 6 submissions from 6 submitters: Uncertain significance (4); Likely benign (1). 1 of the submissions does not count toward it. Last evaluated 2025-12-30.

Conditions:
Inborn genetic diseases. Identifiers: MedGen C0950123, MeSH D030342.
Nemaline myopathy 2 (NEM2). Also called: Nemaline myopathy 2, autosomal recessive. Identifiers: MedGen C1850569, MONDO:0009725, OMIM 256030.

Allele frequency attached by ClinVar (database versions not stated): ExAC 0.00001; TOPMed 0.00001; gnomAD exomes 0.00002; gnomAD 0.00003 and 0.00004.
gnomAD v4.1: 19 of 1,612,766 alleles (0.0012%); highest among the groups gnomAD compares: Admixed American, 0.0083%; no homozygotes.

Submissions (6):

Labcorp Genetics (formerly Invitae), Labcorp
Classification: Likely benign for Nemaline myopathy 2. Last evaluated: 2025-12-30. Review status: criteria provided, single submitter. Criteria: Invitae Variant Classification Sherloc (09022015). Collection method: clinical testing. Allele origin: germline.

Revvity Omics, Revvity
Classification: Uncertain significance. Last evaluated: 2024-12-06. Review status: criteria provided, single submitter. Criteria: ACMG Guidelines, 2015. Collection method: clinical testing. Allele origin: germline.

Blueprint Genetics
Classification: Uncertain significance. Last evaluated: 2024-11-21. Review status: criteria provided, single submitter. Criteria: ACMG Guidelines, 2015. Collection method: clinical testing. Allele origin: germline.

Ambry Genetics
Classification: Uncertain significance for Inborn genetic diseases. Last evaluated: 2022-09-27. Review status: criteria provided, single submitter. Criteria: Ambry Variant Classification Scheme 2023. Collection method: clinical testing. Allele origin: germline.

Illumina Laboratory Services, Illumina
Classification: Uncertain significance for Nemaline myopathy 2. Last evaluated: 2019-03-22. Review status: criteria provided, single submitter. Criteria: ICSLVariantClassificationCriteria RUGD 01 April 2020. Collection method: clinical testing. Allele origin: unknown.
Comment: The NEB c.23894C>A (p.Thr7965Asn) variant is a missense variant. A literature search was performed for the gene, cDNA change, and amino acid change. No publications were found based on this search. Control data are unavailable for this variant, which is reported at a frequency of 0.000421 in the Other population of the Genome Aggregation Database. Based on the limited evidence, the p.Thr7965Asn variant is classified as a variant of uncertain significance for nemaline myopathy.

Natera, Inc.
Classification: Uncertain significance for Nemaline myopathy type 2. Last evaluated: 2021-03-29. Review status: no assertion criteria provided. Collection method: clinical testing. Allele origin: germline. Not counted in ClinVar's aggregate classification.

NM_001164508.2(NEB):c.23789C>A (p.Thr7930Asn)

Genes: NEB (nebulin; minus strand), RIF1 (replication timing regulatory factor 1; plus strand). Cytogenetic location: 2q23.3.
Variant type: single nucleotide variant.
Coding change: c.23789C>A on transcript NM_001164508.2 (MANE Select); coding-DNA position 23789, C replaced by A.
Protein change: p.Thr7930Asn; replaces threonine 7930 with asparagine.
Molecular consequence: missense variant.
Genome position (GRCh38, 1-based): chr2:151,503,395, G>T on the plus strand (C>A on the coding strand, the complement: NEB is on the minus strand). VCF-style: chr2-151503395-G-T. GRCh37 (hg19) VCF-style: chr2-152359909-G-T.
Other names: c.23789C>A, p.Thr7930Asn (NM_001164507.2); c.23894C>A, p.Thr7965Asn (NM_001271208.2); c.18686C>A, p.Thr6229Asn (NM_004543.5); c.18686C>A (NM_004543.4); short protein forms T7965N, T7930N, T6229N.
Identifiers: ClinVar variation 970552 (VCV000970552.19), dbSNP rs760905651, ClinGen allele CA1906245.
Genomic context (GRCh38, chr2:151,503,395, plus strand): 5'-ATATTTGTAAATACCGAGCTAAAGTTCTCTTGATTGCGTTTGACTCTCTCAATCTCTGGA[G>T]TCACAGTGGTTGGAATGCCTGTTCCCAAGTTTTCTTTGTACATAACCTGTAGAAAATAAT-3'
Protein context (NP_001157980.2, residues 7920-7940): NLGTGIPTTV[Thr7930Asn]PEIERVKRNQ